The following is an entry in ClinVar:

NM_153026.3(PRICKLE1):c.2116C>T (p.Pro706Ser)

Gene: PRICKLE1 (prickle planar cell polarity protein 1; minus strand). Cytogenetic location: 12q12.
Variant type: single nucleotide variant.
Coding change: c.2116C>T on transcript NM_153026.3 (MANE Select); coding-DNA position 2116, C replaced by T.
Protein change: p.Pro706Ser; replaces proline 706 with serine.
Molecular consequence: missense variant.
Genome position (GRCh38, 1-based): chr12:42,460,189, G>A on the plus strand (C>T on the coding strand, the complement: PRICKLE1 is on the minus strand). VCF-style: chr12-42460189-G-A. GRCh37 (hg19) VCF-style: chr12-42853991-G-A.
Other names: c.2116C>T, p.Pro706Ser (NM_001144881.2, NM_001144882.2, NM_001144883.2); short protein forms P706S.
Identifiers: ClinVar variation 1989521 (VCV001989521.4), dbSNP rs377228096, ClinGen allele CA6519652.
Genomic context (GRCh38, chr12:42,460,189, plus strand): 5'-GGATGTATGCTTGGATCTCCCGGGCACTTTTATTCTGTATAAATTTCTCATAGTTATCGG[G>A]GGTGTACAGCCGCAGTCTGTCCTTGGGAGAGTATTTTCTTTCTGTAACAAGATTCAGGGC-3'
Protein context (NP_694571.2, residues 696-716): SPKDRLRLYT[Pro706Ser]DNYEKFIQNK

ClinVar aggregate classification (germline): Uncertain significance (1 of 4 stars; one submission).

Conditions:
Epilepsy, progressive myoclonic, 1B. Also called: PME. Identifiers: Orphanet 308, MedGen C2676254, MONDO:0012904, OMIM 612437.

Allele frequency attached by ClinVar (database versions not stated): gnomAD exomes 0.00001; ExAC 0.00003; ESP Exome Variant Server 0.00008.
gnomAD v4.1: 21 of 1,613,990 alleles (0.0013%); highest among the groups gnomAD compares: South Asian, 0.0099%; no homozygotes.

Submission:

Labcorp Genetics (formerly Invitae), Labcorp
Classification: Uncertain significance for Epilepsy, progressive myoclonic, 1B. Last evaluated: 2021-11-30. Review status: criteria provided, single submitter. Criteria: Invitae Variant Classification Sherloc (09022015). Collection method: clinical testing. Allele origin: germline.
Comment: This sequence change replaces proline, which is neutral and non-polar, with serine, which is neutral and polar, at codon 706 of the PRICKLE1 protein (p.Pro706Ser). This variant is present in population databases (rs377228096, gnomAD 0.01%). This variant has not been reported in the literature in individuals affected with PRICKLE1-related conditions. Algorithms developed to predict the effect of missense changes on protein structure and function are either unavailable or do not agree on the potential impact of this missense change (SIFT: "Deleterious"; PolyPhen-2: "Benign"; Align-GVGD: "Class C25"). In summary, the available evidence is currently insufficient to determine the role of this variant in disease. Therefore, it has been classified as a Variant of Uncertain Significance.